The following is an entry in ClinVar:

NM_001376.5(DYNC1H1):c.11856G>T (p.Gln3952His)

Gene: DYNC1H1 (dynein cytoplasmic 1 heavy chain 1; plus strand). Cytogenetic location: 14q32.31.
Variant type: single nucleotide variant.
Coding change: c.11856G>T on transcript NM_001376.5 (MANE Select); coding-DNA position 11856, G replaced by T.
Protein change: p.Gln3952His; replaces glutamine 3952 with histidine.
Molecular consequence: missense variant.
Genome position (GRCh38, 1-based): chr14:102,040,401, G>T. VCF-style: chr14-102040401-G-T. GRCh37 (hg19) VCF-style: chr14-102506738-G-T.
Other names: short protein forms Q3952H.
Identifiers: ClinVar variation 1327354 (VCV001327354.2), dbSNP rs2152595715, ClinGen allele CA391037107.

ClinVar aggregate classification (germline): Uncertain significance (1 of 4 stars; one submission).

Submission:

GeneDx
Classification: Uncertain significance. Last evaluated: 2021-06-04. Review status: criteria provided, single submitter. Criteria: GeneDx Variant Classification Process June 2021. Collection method: clinical testing. Allele origin: germline. Affected: yes.
Comment: Has not been previously published as pathogenic or benign to our knowledge; Not observed at significant frequency in large population cohorts (Lek et al., 2016); In silico analysis supports that this missense variant does not alter protein structure/function; In silico analysis, which includes splice predictors and evolutionary conservation, suggests this variant may impact gene splicing. In the absence of RNA/functional studies, the actual effect of this sequence change is unknown.; This variant is associated with the following publications: (PMID: 27535533, 26100331, 25512093)